The following is an entry in ClinVar:

ClinVar aggregate classification (germline): Pathogenic/Likely pathogenic. Review status: criteria provided, multiple submitters, no conflicts (2 of 4 stars). 2 submissions from 2 submitters: Pathogenic (1); Likely pathogenic (1). Last evaluated 2022-03-03.

Conditions:
Cataract 1 multiple types. Also called: CATARACT, DUFFY-LINKED; CATARACT 1, MULTIPLE TYPES, WITH OR WITHOUT MICROCORNEA; CATARACT 1, NUCLEAR PROGRESSIVE; CATARACT 1 WITH MICROCORNEA; CATARACT 1, POSTERIOR SUBCAPSULAR, WITH MICROCORNEA; CATARACT 1, STELLATE NUCLEAR, WITH MICROCORNEA. Identifiers: Orphanet 1377, MedGen C1861828, MONDO:0007285, OMIM 116200.

Submissions (2):

Labcorp Genetics (formerly Invitae), Labcorp
Classification: Pathogenic for Cataract 1 multiple types. Last evaluated: 2022-03-03. Review status: criteria provided, single submitter. Criteria: Invitae Variant Classification Sherloc (09022015). Collection method: clinical testing. Allele origin: germline.
Comment: This sequence change replaces tryptophan, which is neutral and slightly polar, with cysteine, which is neutral and slightly polar, at codon 45 of the GJA8 protein (p.Trp45Cys). This variant is not present in population databases (gnomAD no frequency). This missense change has been observed in individual(s) with autosomal dominant congenital cataract (Invitae). In at least one individual the variant was observed to be de novo. Algorithms developed to predict the effect of missense changes on protein structure and function (SIFT, PolyPhen-2, Align-GVGD) all suggest that this variant is likely to be disruptive. This variant disrupts the p.Trp45 amino acid residue in GJA8. Other variant(s) that disrupt this residue have been determined to be pathogenic (PMID: 18334946, 21228318, 28392901, 29464339). This suggests that this residue is clinically significant, and that variants that disrupt this residue are likely to be disease-causing. For these reasons, this variant has been classified as Pathogenic.

Juno Genomics, Hangzhou Juno Genomics, Inc
Classification: Likely pathogenic for Cataract 1 multiple types. Review status: criteria provided, single submitter. Criteria: ACMG Guidelines, 2015. Collection method: clinical testing. Allele origin: germline. Affected: yes.
Comment: Absent from controls (or at extremely low frequency if recessive) in Genome Aggregation Database, Exome Sequencing Project, 1000 Genomes Project, or Exome Aggregation Consortium.;Novel missense change at an amino acid residue where a different missense change determined to be pathogenic has been seen before.;Multiple lines of computational evidence support a deleterious effect on the gene or gene product (conservation, evolutionary, splicing impact, etc).

Literature cited by the submitters: PubMed 18334946 (cited by Labcorp Genetics (formerly Invitae), Labcorp); PubMed 21228318 (cited by Labcorp Genetics (formerly Invitae), Labcorp); PubMed 28392901 (cited by Labcorp Genetics (formerly Invitae), Labcorp); PubMed 29464339 (cited by Labcorp Genetics (formerly Invitae), Labcorp).

NM_005267.5(GJA8):c.135G>T (p.Trp45Cys)

Gene: GJA8 (gap junction protein alpha 8; plus strand). Cytogenetic location: 1q21.2.
Variant type: single nucleotide variant.
Coding change: c.135G>T on transcript NM_005267.5 (MANE Select); coding-DNA position 135, G replaced by T.
Protein change: p.Trp45Cys; replaces tryptophan 45 with cysteine.
Molecular consequence: missense variant.
Genome position (GRCh38, 1-based): chr1:147,908,090, G>T. VCF-style: chr1-147908090-G-T. GRCh37 (hg19) VCF-style: chr1-147380217-G-T.
Other names: short protein forms W45C.
Identifiers: ClinVar variation 1410982 (VCV001410982.8), dbSNP rs983216627, ClinGen allele CA342223263.